The following is an entry in ClinVar:

ClinVar aggregate classification (germline): Uncertain significance (1 of 4 stars; one submission).

Submission:

Labcorp Genetics (formerly Invitae), Labcorp
Classification: Uncertain significance. Last evaluated: 2025-12-22. Review status: criteria provided, single submitter. Criteria: Invitae Variant Classification Sherloc (09022015). Collection method: clinical testing. Allele origin: germline.
Comment: This sequence change is expected to alter the c-terminus of the SLC10A2 protein (p.Glu333Serfs*37). While this is not anticipated to result in nonsense mediated decay, it is expected to disrupt the last 16 amino acid(s) of the SLC10A2 protein and extend the protein by 20 additional amino acid residues. This variant is not present in population databases (gnomAD no frequency). This variant has not been reported in the literature in individuals affected with SLC10A2-related conditions. In summary, the available evidence is currently insufficient to determine the role of this variant in disease. Therefore, it has been classified as a Variant of Uncertain Significance.

NM_000452.3(SLC10A2):c.997del (p.Glu333fs)

Gene: SLC10A2 (solute carrier family 10 member 2; minus strand). Cytogenetic location: 13q33.1.
Variant type: Deletion.
Coding change: c.997del on transcript NM_000452.3 (MANE Select); coding-DNA position 997, one base deleted (G; older notation c.997delG).
Protein change: p.Glu333fs; shifts the reading frame from glutamic acid 333.
Molecular consequence: frameshift variant.
Genome position (GRCh38, 1-based): chr13:103,046,183, C deleted on the plus strand (G on the coding strand, the reverse complement: SLC10A2 is on the minus strand). VCF-style (leftmost placement, unchanged base first): chr13-103046182-TC-T. GRCh37 (hg19) VCF-style: chr13-103698532-TC-T.
Other names: short protein forms E333fs.
Identifiers: ClinVar variation 4733853 (VCV004733853.1).